The following is an entry in ClinVar:

ClinVar aggregate classification (germline): Uncertain significance. Review status: criteria provided, multiple submitters, no conflicts (2 of 4 stars). 2 submissions from 2 submitters: Uncertain significance (2). Last evaluated 2022-12-21.

Conditions:
Diffuse cerebral and cerebellar atrophy - intractable seizures - progressive microcephaly syndrome. Also called: Microcephaly, progressive, with seizures and cerebral and cerebellar atrophy. Identifiers: Orphanet 404437, MedGen C4014239, MONDO:0014335, OMIM 615760.
Inborn genetic diseases. Identifiers: MedGen C0950123, MeSH D030342.

Allele frequency attached by ClinVar (database versions not stated): gnomAD exomes below 0.00001 and 0.00001; TOPMed below 0.00001; gnomAD 0.00001.
gnomAD v4.1: 5 of 1,614,082 alleles (0.00031%); highest among the groups gnomAD compares: Non-Finnish European, 0.00042%; no homozygotes.

Submissions (2):

Ambry Genetics
Classification: Uncertain significance for Inborn genetic diseases. Last evaluated: 2022-12-21. Review status: criteria provided, single submitter. Criteria: Ambry Variant Classification Scheme 2023. Collection method: clinical testing. Allele origin: germline.

Labcorp Genetics (formerly Invitae), Labcorp
Classification: Uncertain significance for Diffuse cerebral and cerebellar atrophy - intractable seizures - progressive microcephaly syndrome. Last evaluated: 2021-09-01. Review status: criteria provided, single submitter. Criteria: Invitae Variant Classification Sherloc (09022015). Collection method: clinical testing. Allele origin: germline.
Comment: This sequence change replaces alanine with valine at codon 204 of the QARS protein (p.Ala204Val). The alanine residue is weakly conserved and there is a small physicochemical difference between alanine and valine. This variant is not present in population databases (ExAC no frequency). This variant has not been reported in the literature in individuals affected with QARS-related conditions. Algorithms developed to predict the effect of missense changes on protein structure and function (SIFT, PolyPhen-2, Align-GVGD) all suggest that this variant is likely to be tolerated. Algorithms developed to predict the effect of sequence changes on RNA splicing suggest that this variant may create or strengthen a splice site. In summary, the available evidence is currently insufficient to determine the role of this variant in disease. Therefore, it has been classified as a Variant of Uncertain Significance.

NM_005051.3(QARS1):c.611C>T (p.Ala204Val)

Gene: QARS1 (glutaminyl-tRNA synthetase 1; minus strand). Cytogenetic location: 3p21.31.
Variant type: single nucleotide variant.
Coding change: c.611C>T on transcript NM_005051.3 (MANE Select); coding-DNA position 611, C replaced by T.
Protein change: p.Ala204Val; replaces alanine 204 with valine.
Molecular consequence: missense variant. On other transcripts: non-coding transcript variant (1).
Genome position (GRCh38, 1-based): chr3:49,102,225, G>A on the plus strand (C>T on the coding strand, the complement: QARS1 is on the minus strand). VCF-style: chr3-49102225-G-A. GRCh37 (hg19) VCF-style: chr3-49139658-G-A.
Other names: c.578C>T, p.Ala193Val (NM_001272073.2); c.611C>T (NM_005051.1); short protein forms A193V, A204V.
Identifiers: ClinVar variation 1062288 (VCV001062288.4), dbSNP rs911977359, ClinGen allele CA74476862.
Genomic context (GRCh38, chr3:49,102,225, plus strand): 5'-AGGGAGCTGAATGCTGTGACAGGAGTCTCAAGCTTCTCACCATTCTCCACCACATCCTTT[G>A]CCGTCCTCCGGTCTGTTTCTTCTAGCCGAGCTTTTGCCACCTGAAAGAAGCCCCAGGTGC-3'
Protein context (NP_005042.1, residues 194-214): ARLEETDRRT[Ala204Val]KDVVENGETA